The following is an entry in ClinVar:

ClinVar aggregate classification (germline): Uncertain significance. Review status: criteria provided, multiple submitters, no conflicts (2 of 4 stars). 2 submissions from 2 submitters: Uncertain significance (2). Last evaluated 2025-04-30.

Conditions:
MEGF8-related Carpenter syndrome. Also called: Carpenter syndrome 2. Identifiers: Orphanet 65759, MedGen C3554247, MONDO:0013998, OMIM 614976.
Inborn genetic diseases. Identifiers: MedGen C0950123, MeSH D030342.

gnomAD v4.1: 8 of 1,567,334 alleles (0.00051%); highest among the groups gnomAD compares: Admixed American, 0.0076%; no homozygotes.

Submissions (2):

Ambry Genetics
Classification: Uncertain significance for Inborn genetic diseases. Last evaluated: 2025-04-30. Review status: criteria provided, single submitter. Criteria: Ambry Variant Classification Scheme 2023. Collection method: clinical testing. Allele origin: germline.

Labcorp Genetics (formerly Invitae), Labcorp
Classification: Uncertain significance for MEGF8-related Carpenter syndrome. Last evaluated: 2025-03-17. Review status: criteria provided, single submitter. Criteria: Invitae Variant Classification Sherloc (09022015). Collection method: clinical testing. Allele origin: germline.
Comment: This sequence change replaces proline, which is neutral and non-polar, with threonine, which is neutral and polar, at codon 1345 of the MEGF8 protein (p.Pro1345Thr). This variant is present in population databases (rs760139304, gnomAD 0.01%). This variant has not been reported in the literature in individuals affected with MEGF8-related conditions. ClinVar contains an entry for this variant (Variation ID: 1939099). An algorithm developed to predict the effect of missense changes on protein structure and function (PolyPhen-2) suggests that this variant is likely to be disruptive. In summary, the available evidence is currently insufficient to determine the role of this variant in disease. Therefore, it has been classified as a Variant of Uncertain Significance.

NM_001271938.2(MEGF8):c.4234C>A (p.Pro1412Thr)

Gene: MEGF8 (multiple EGF like domains 8; plus strand). Cytogenetic location: 19q13.2.
Variant type: single nucleotide variant.
Coding change: c.4234C>A on transcript NM_001271938.2 (MANE Select); coding-DNA position 4234, C replaced by A.
Protein change: p.Pro1412Thr; replaces proline 1412 with threonine.
Molecular consequence: missense variant.
Genome position (GRCh38, 1-based): chr19:42,355,847, C>A. VCF-style: chr19-42355847-C-A. GRCh37 (hg19) VCF-style: chr19-42859999-C-A.
Other names: c.4033C>A (NM_001410.2); c.4033C>A, p.Pro1345Thr (NM_001410.3); short protein forms P1412T, P1345T.
Identifiers: ClinVar variation 1939099 (VCV001939099.6), dbSNP rs760139304, ClinGen allele CA9475211.